The following is an entry in ClinVar:

ClinVar aggregate classification (germline): Likely benign (1 of 4 stars; one submission).

Allele frequency attached by ClinVar (database versions not stated): gnomAD 0.00019.
gnomAD v4.1: 29 of 152,140 alleles (0.019%); highest among the groups gnomAD compares: Middle Eastern, 1.4%; 1 homozygote.

Submission:

CeGaT Center for Human Genetics Tuebingen
Classification: Likely benign. Last evaluated: 2025-06-01. Review status: criteria provided, single submitter. Criteria: CeGaT Center For Human Genetics Tuebingen Variant Classification Criteria Version 2. Collection method: clinical testing. Allele origin: germline. Affected: yes. Observed: 3 variant alleles.
Comment: GNAS: BP4, BP7

NM_080425.4(GNAS):c.2069-5126G>A

Gene: GNAS (GNAS complex locus; plus strand). Cytogenetic location: 20q13.32.
Variant type: single nucleotide variant.
Coding change: c.2069-5126G>A on transcript NM_080425.4 (MANE Plus Clinical); 5126 bases into the intron before coding-DNA position 2069, G replaced by A.
Molecular consequence: intron variant.
Genome position (GRCh38, 1-based): chr20:58,890,486, G>A. VCF-style: chr20-58890486-G-A. GRCh37 (hg19) VCF-style: chr20-57465541-G-A.
Other names: c.-39+1154G>A (NM_001438274.1, NM_001439291.1); c.-39+1133G>A (NM_001309840.2, NM_001438273.1); c.*43-5126G>A (NM_016592.5); c.44-5126G>A (NM_001410912.1); c.-38-5126G>A (NM_001309861.2); c.*1-5126G>A (NM_001077490.3); c.2069-5126G>A (NM_001410913.1); c.*159-5126G>A (NM_001309883.1).
Identifiers: ClinVar variation 3250909 (VCV003250909.17), dbSNP rs867603388.
Genomic context (GRCh38, chr20:58,890,486, plus strand): 5'-CGTGTGGCGGCCCGGGCCGCTCAAGGCTGGCGCGCTGAGCGCCCACCTGCCCCTCGTGGT[G>A]TTCCTGGTCTTCTCGGTGCGCAGCCCCTCGTGGGTGCTCAACTTCCTGCTGCAGAAGCGC-3'